The following is an entry in ClinVar:

NM_006312.6(NCOR2):c.4383C>G (p.Thr1461=)

Gene: NCOR2 (nuclear receptor corepressor 2; minus strand). Cytogenetic location: 12q24.31.
Variant type: single nucleotide variant.
Coding change: c.4383C>G on transcript NM_006312.6 (MANE Select); coding-DNA position 4383, C replaced by G.
Protein change: p.Thr1461=; no amino-acid change (threonine 1461 retained).
Molecular consequence: synonymous variant.
Genome position (GRCh38, 1-based): chr12:124,344,928, G>C on the plus strand (C>G on the coding strand, the complement: NCOR2 is on the minus strand). VCF-style: chr12-124344928-G-C. GRCh37 (hg19) VCF-style: chr12-124829474-G-C.
Other names: c.4353C>G, p.Thr1451= (NM_001077261.4, NM_001206654.2).
Identifiers: ClinVar variation 3037917 (VCV003037917.2), dbSNP rs61241227, ClinGen allele CA6868266.

ClinVar aggregate classification (germline): Benign (0 of 4 stars; one submission).

Conditions:
NCOR2-related disorder. Also called: NCOR2-related condition.

Allele frequency attached by ClinVar (database versions not stated): 1000 Genomes Project 0.00339; 1000 Genomes Project 30x 0.00390.
gnomAD v4.1: 819 of 1,559,426 alleles (0.053%); highest among the groups gnomAD compares: African/African-American, 1%; 2 homozygotes.

Submission:

PreventionGenetics, part of Exact Sciences
Classification: Benign for NCOR2-related condition. Last evaluated: 2019-05-03. Review status: no assertion criteria provided. Collection method: clinical testing. Allele origin: germline.
Comment: This variant is classified as benign based on ACMG/AMP sequence variant interpretation guidelines (Richards et al. 2015 PMID: 25741868, with internal and published modifications).